The following is an entry in ClinVar:

NM_002430.3(MN1):c.552C>T (p.His184=)

Gene: MN1 (MN1 proto-oncogene, transcriptional regulator; minus strand). Cytogenetic location: 22q12.1.
Variant type: single nucleotide variant.
Coding change: c.552C>T on transcript NM_002430.3 (MANE Select); coding-DNA position 552, C replaced by T.
Protein change: p.His184=; no amino-acid change (histidine 184 retained).
Molecular consequence: synonymous variant.
Genome position (GRCh38, 1-based): chr22:27,799,992, G>A on the plus strand (C>T on the coding strand, the complement: MN1 is on the minus strand). VCF-style: chr22-27799992-G-A. GRCh37 (hg19) VCF-style: chr22-28195980-G-A.
Identifiers: ClinVar variation 3051105 (VCV003051105.2), dbSNP rs377590257, ClinGen allele CA10166552.

ClinVar aggregate classification (germline): Likely benign (0 of 4 stars; one submission).

Conditions:
MN1-related disorder. Also called: MN1-related condition.

Allele frequency attached by ClinVar (database versions not stated): ExAC 0.00004; gnomAD 0.00007; TOPMed 0.00007; gnomAD exomes 0.00012; ESP Exome Variant Server 0.00016.
gnomAD v4.1: 180 of 1,603,824 alleles (0.011%); highest among the groups gnomAD compares: Non-Finnish European, 0.015%; no homozygotes.

Submission:

PreventionGenetics, part of Exact Sciences
Classification: Likely benign for MN1-related condition. Last evaluated: 2023-01-21. Review status: no assertion criteria provided. Collection method: clinical testing. Allele origin: germline.
Comment: This variant is classified as likely benign based on ACMG/AMP sequence variant interpretation guidelines (Richards et al. 2015 PMID: 25741868, with internal and published modifications).